The following is an entry in ClinVar:

ClinVar aggregate classification (germline): Uncertain significance (0 of 4 stars; one submission).

Conditions:
PIEZO1-related disorder. Also called: PIEZO1-Related Disorders; PIEZO1-related condition.

Allele frequency attached by ClinVar (database versions not stated): gnomAD exomes below 0.00001.
gnomAD v4.1: 1 of 1,549,948 alleles (0.000065%); highest among the groups gnomAD compares: Non-Finnish European, 0.000087%; no homozygotes.

Submission:

PreventionGenetics, part of Exact Sciences
Classification: Uncertain significance for PIEZO1-related condition. Last evaluated: 2023-12-01. Review status: no assertion criteria provided. Collection method: clinical testing. Allele origin: germline.
Comment: The PIEZO1 c.2111C>T variant is predicted to result in the amino acid substitution p.Pro704Leu. To our knowledge, this variant has not been reported in the literature or in a large population database, indicating this variant is rare. At this time, the clinical significance of this variant is uncertain due to the absence of conclusive functional and genetic evidence.

NM_001142864.4(PIEZO1):c.2111C>T (p.Pro704Leu)

Genes: HSALR1 (HSP90AB1 associated lncRNA 1; plus strand), PIEZO1 (piezo type mechanosensitive ion channel component 1 (Er blood group); minus strand). Cytogenetic location: 16q24.3.
Variant type: single nucleotide variant.
Coding change: c.2111C>T on transcript NM_001142864.4 (MANE Select); coding-DNA position 2111, C replaced by T.
Protein change: p.Pro704Leu; replaces proline 704 with leucine.
Molecular consequence: missense variant.
Genome position (GRCh38, 1-based): chr16:88,734,425, G>A on the plus strand (C>T on the coding strand, the complement: PIEZO1 is on the minus strand). VCF-style: chr16-88734425-G-A. GRCh37 (hg19) VCF-style: chr16-88800833-G-A.
Other names: c.656C>T, p.Pro219Leu (NM_014745.1); short protein forms P219L, P704L.
Identifiers: ClinVar variation 3038760 (VCV003038760.2), dbSNP rs2507909335, ClinGen allele CA397113717.